The following is an entry in ClinVar:

ClinVar aggregate classification (germline): Pathogenic (1 of 4 stars; one submission).

Conditions:
Peroxisome biogenesis disorder 3A (Zellweger). Also called: PEROXISOMAL BIOGENESIS DISORDER 3A (ZELLWEGER); Peroxisome biogenesis disorder 3A. Identifiers: Orphanet 912, MedGen C3553929, MONDO:0013927, OMIM 614859.

Submission:

Labcorp Genetics (formerly Invitae), Labcorp
Classification: Pathogenic for Peroxisome biogenesis disorder 3A (Zellweger). Last evaluated: 2024-07-24. Review status: criteria provided, single submitter. Criteria: Invitae Variant Classification Sherloc (09022015). Collection method: clinical testing. Allele origin: germline.
Comment: This sequence change creates a premature translational stop signal (p.Tyr322Cysfs*31) in the PEX12 gene. While this is not anticipated to result in nonsense mediated decay, it is expected to disrupt the last 38 amino acid(s) of the PEX12 protein. This variant is present in population databases (no rsID available, gnomAD 0.0009%). This variant has not been reported in the literature in individuals affected with PEX12-related conditions. This variant disrupts a region of the PEX12 protein in which other variant(s) (p.Gln349del) have been determined to be pathogenic (PMID: 15542397, 21031596, 33123925). This suggests that this is a clinically significant region of the protein, and that variants that disrupt it are likely to be disease-causing. For these reasons, this variant has been classified as Pathogenic.

Literature cited by the submitters: PubMed 15542397; PubMed 21031596; PubMed 33123925.

NM_000286.3(PEX12):c.965_966del (p.Tyr322fs)

Gene: PEX12 (peroxisomal biogenesis factor 12; minus strand). Cytogenetic location: 17q12.
Variant type: Deletion.
Coding change: c.965_966del on transcript NM_000286.3 (MANE Select); coding-DNA positions 965 to 966, 2 bases deleted (AT; older notation c.965_966delAT).
Protein change: p.Tyr322fs; shifts the reading frame from tyrosine 322.
Molecular consequence: frameshift variant.
Genome position (GRCh38, 1-based): chr17:35,575,896-35,575,897, AT deleted on the plus strand (AT on the coding strand, the reverse complement: PEX12 is on the minus strand); deleting any 2 consecutive bases within chr17:35,575,896-35,575,898 gives the same sequence; the c. name uses the placement nearest the transcript's 3' end. VCF-style (leftmost placement, unchanged base first): chr17-35575895-CAT-C. GRCh37 (hg19) VCF-style: chr17-33902914-CAT-C.
Other names: short protein forms Y322fs.
Identifiers: ClinVar variation 3687433 (VCV003687433.2).